The following is an entry in ClinVar:

ClinVar aggregate classification (germline): Uncertain significance. Review status: criteria provided, multiple submitters, no conflicts (2 of 4 stars). 2 submissions from 2 submitters: Uncertain significance (2). Last evaluated 2024-11-25.

Allele frequency attached by ClinVar (database versions not stated): ESP Exome Variant Server 0.00008; ExAC 0.00013; gnomAD 0.00021; TOPMed 0.00022; gnomAD exomes 0.00023.
gnomAD v4.1: 363 of 1,613,934 alleles (0.022%); highest among the groups gnomAD compares: Non-Finnish European, 0.029%; no homozygotes.

Submissions (2):

Blueprint Genetics
Classification: Uncertain significance. Last evaluated: 2024-11-25. Review status: criteria provided, single submitter. Criteria: ACMG Guidelines, 2015. Collection method: clinical testing. Allele origin: germline.

Labcorp Genetics (formerly Invitae), Labcorp
Classification: Uncertain significance. Last evaluated: 2023-06-17. Review status: criteria provided, single submitter. Criteria: Invitae Variant Classification Sherloc (09022015). Collection method: clinical testing. Allele origin: germline.
Comment: Advanced modeling of protein sequence and biophysical properties (such as structural, functional, and spatial information, amino acid conservation, physicochemical variation, residue mobility, and thermodynamic stability) performed at Invitae indicates that this missense variant is expected to disrupt TENM3 protein function. In summary, the available evidence is currently insufficient to determine the role of this variant in disease. Therefore, it has been classified as a Variant of Uncertain Significance. ClinVar contains an entry for this variant (Variation ID: 2068153). This variant has not been reported in the literature in individuals affected with TENM3-related conditions. This variant is present in population databases (rs201885125, gnomAD 0.04%). This sequence change replaces alanine, which is neutral and non-polar, with valine, which is neutral and non-polar, at codon 1469 of the TENM3 protein (p.Ala1469Val).

NM_001080477.4(TENM3):c.4406C>T (p.Ala1469Val)

Gene: TENM3 (teneurin transmembrane protein 3; plus strand). Cytogenetic location: 4q35.1.
Variant type: single nucleotide variant.
Coding change: c.4406C>T on transcript NM_001080477.4 (MANE Select); coding-DNA position 4406, C replaced by T.
Protein change: p.Ala1469Val; replaces alanine 1469 with valine.
Molecular consequence: missense variant.
Genome position (GRCh38, 1-based): chr4:182,754,773, C>T. VCF-style: chr4-182754773-C-T. GRCh37 (hg19) VCF-style: chr4-183675926-C-T.
Other names: c.3638C>T, p.Ala1213Val (NM_001415960.1); c.3611C>T, p.Ala1204Val (NM_001415961.1); c.3608C>T, p.Ala1203Val (NM_001415962.1); c.3590C>T, p.Ala1197Val (NM_001415963.1); c.3587C>T, p.Ala1196Val (NM_001415964.1); c.4124C>T, p.Ala1375Val (NM_001415966.1); c.4148C>T, p.Ala1383Val (NM_001415967.1); c.4424C>T, p.Ala1475Val (NM_001415968.1); and 4 more; short protein forms A1203V, A1375V, A1383V, A1469V, A1197V, A1476V, A1213V, A1196V.
Identifiers: ClinVar variation 2068153 (VCV002068153.3), dbSNP rs201885125, ClinGen allele CA3148424.